The following is an entry in ClinVar:

ClinVar aggregate classification (germline): Benign (0 of 4 stars; one submission).

Conditions:
PTPRS-related disorder. Also called: PTPRS-related condition.

Allele frequency attached by ClinVar (database versions not stated): gnomAD exomes 0.00031; ESP Exome Variant Server 0.00361; gnomAD 0.00365; TOPMed 0.00403; 1000 Genomes Project 0.00499; 1000 Genomes Project 30x 0.00547.
gnomAD v4.1: 1,029 of 1,614,124 alleles (0.064%); highest among the groups gnomAD compares: African/African-American, 1.3%; 9 homozygotes.

Submission:

PreventionGenetics, part of Exact Sciences
Classification: Benign for PTPRS-related condition. Last evaluated: 2024-05-09. Review status: no assertion criteria provided. Collection method: clinical testing. Allele origin: germline.
Comment: This variant is classified as benign based on ACMG/AMP sequence variant interpretation guidelines (Richards et al. 2015 PMID: 25741868, with internal and published modifications).

NM_002850.4(PTPRS):c.240G>A (p.Thr80=)

Gene: PTPRS (protein tyrosine phosphatase receptor type S; minus strand). Cytogenetic location: 19p13.3.
Variant type: single nucleotide variant.
Coding change: c.240G>A on transcript NM_002850.4 (MANE Select); coding-DNA position 240, G replaced by A.
Protein change: p.Thr80=; no amino-acid change (threonine 80 retained).
Molecular consequence: synonymous variant.
Genome position (GRCh38, 1-based): chr19:5,273,581, C>T on the plus strand (G>A on the coding strand, the complement: PTPRS is on the minus strand). VCF-style: chr19-5273581-C-T. GRCh37 (hg19) VCF-style: chr19-5273592-C-T.
Other names: c.240G>A, p.Thr80= (NM_001394011.1, NM_001394012.1, NM_001394013.1 and 3 more transcripts).
Identifiers: ClinVar variation 3039563 (VCV003039563.2), dbSNP rs115361851, ClinGen allele CA9110798.